The following is an entry in ClinVar:

NM_001347721.2(DYRK1A):c.2162A>G (p.His721Arg)

Gene: DYRK1A (dual specificity tyrosine phosphorylation regulated kinase 1A; plus strand). Cytogenetic location: 21q22.13.
Variant type: single nucleotide variant.
Coding change: c.2162A>G on transcript NM_001347721.2 (MANE Select); coding-DNA position 2162, A replaced by G.
Protein change: p.His721Arg; replaces histidine 721 with arginine.
Molecular consequence: missense variant. On other transcripts: 3 prime UTR variant (2).
Genome position (GRCh38, 1-based): chr21:37,512,428, A>G. VCF-style: chr21-37512428-A-G. GRCh37 (hg19) VCF-style: chr21-38884731-A-G.
Other names: c.2162A>G, p.His721Arg (NM_001347722.2, NM_130436.2); c.2075A>G, p.His692Arg (NM_001347723.2); c.2189A>G, p.His730Arg (NM_001396.5); c.*565A>G (NM_101395.2); c.*474A>G (NM_130438.2); short protein forms H692R, H721R, H730R.
Identifiers: ClinVar variation 1787375 (VCV001787375.7), dbSNP rs2518097962, ClinGen allele CA409941402.

ClinVar aggregate classification (germline): Uncertain significance. Review status: criteria provided, multiple submitters, no conflicts (2 of 4 stars). 2 submissions from 2 submitters: Uncertain significance (2). Last evaluated 2022-04-17.

Conditions:
Inborn genetic diseases. Identifiers: MedGen C0950123, MeSH D030342.
DYRK1A-related intellectual disability syndrome (MRD7). Also called: DYRK1A Syndrome; Intellectual developmental disorder, autosomal dominant 7. Identifiers: Orphanet 464306, MedGen C5568143, MONDO:0013578, OMIM 614104.

gnomAD v4.1: 2 of 1,614,260 alleles (0.00012%); highest among the groups gnomAD compares: South Asian, 0.0011%; no homozygotes.

Submissions (2):

Labcorp Genetics (formerly Invitae), Labcorp
Classification: Uncertain significance for DYRK1A-related intellectual disability syndrome. Last evaluated: 2022-04-17. Review status: criteria provided, single submitter. Criteria: Invitae Variant Classification Sherloc (09022015). Collection method: clinical testing. Allele origin: germline.
Comment: This variant is not present in population databases (gnomAD no frequency). In summary, the available evidence is currently insufficient to determine the role of this variant in disease. Therefore, it has been classified as a Variant of Uncertain Significance. Advanced modeling of protein sequence and biophysical properties (such as structural, functional, and spatial information, amino acid conservation, physicochemical variation, residue mobility, and thermodynamic stability) performed at Invitae indicates that this missense variant is not expected to disrupt DYRK1A protein function. This variant has not been reported in the literature in individuals affected with DYRK1A-related conditions. This sequence change replaces histidine, which is basic and polar, with arginine, which is basic and polar, at codon 730 of the DYRK1A protein (p.His730Arg).

Ambry Genetics
Classification: Uncertain significance for Inborn genetic diseases. Last evaluated: 2019-12-03. Review status: criteria provided, single submitter. Criteria: Ambry Variant Classification Scheme 2023. Collection method: clinical testing. Allele origin: germline.
Comment: The p.H730R variant (also known as c.2189A>G), located in coding exon 11 of the DYRK1A gene, results from an A to G substitution at nucleotide position 2189. The histidine at codon 730 is replaced by arginine, an amino acid with highly similar properties. This amino acid position is highly conserved in available vertebrate species. In addition, the in silico prediction for this alteration is inconclusive. Since supporting evidence is limited at this time, the clinical significance of this alteration remains unclear.